The following is an entry in ClinVar:

ClinVar aggregate classification (germline): Uncertain significance. Review status: criteria provided, multiple submitters, no conflicts (2 of 4 stars). 2 submissions from 2 submitters: Uncertain significance (2). Last evaluated 2025-03-18.

Conditions:
Epidermolysis bullosa simplex with nail dystrophy (EBS5D). Identifiers: MedGen C4225309, MONDO:0014661, OMIM 616487.
Epidermolysis bullosa simplex, Ogna type (EBS5A). Also called: Pidermolysis bullosa simplex 5A, Ogna type; EPIDERMOLYSIS BULLOSA SIMPLEX 5A, OGNA TYPE. Identifiers: Orphanet 79401, MedGen C0432317, MONDO:0007555, OMIM 131950.
Autosomal recessive limb-girdle muscular dystrophy type 2Q (LGMDR17). Also called: MUSCULAR DYSTROPHY, LIMB-GIRDLE, AUTOSOMAL RECESSIVE 17. Identifiers: Orphanet 254361, MedGen C3150989, MONDO:0013390, OMIM 613723.
Epidermolysis bullosa simplex 5B, with muscular dystrophy (EBS5B). Also called: EPIDERMOLYSIS BULLOSA SIMPLEX AND LIMB-GIRDLE MUSCULAR DYSTROPHY; Epidermolysis bullosa simplex with muscular dystrophy. Identifiers: Orphanet 257, MedGen C2931072, MONDO:0009181, OMIM 226670.
Epidermolysis bullosa simplex 5C, with pyloric atresia (EBS5C). Also called: PLEC-Related Epidermolysis Bullosa with Pyloric Atresia; Epidermolysis bullosa simplex with pyloric atresia; PLEC1-Related Epidermolysis Bullosa with Pyloric Atresia. Identifiers: Orphanet 158684, MedGen C2677349, MONDO:0012807, OMIM 612138.
Inborn genetic diseases. Identifiers: MedGen C0950123, MeSH D030342.

gnomAD v4.1: 10 of 1,613,738 alleles (0.00062%); highest among the groups gnomAD compares: Admixed American, 0.0017%; no homozygotes.

Submissions (2):

Labcorp Genetics (formerly Invitae), Labcorp
Classification: Uncertain significance for Autosomal recessive limb-girdle muscular dystrophy type 2Q; Epidermolysis bullosa simplex, Ogna type; Epidermolysis bullosa simplex with nail dystrophy; Epidermolysis bullosa simplex 5C, with pyloric atresia; Epidermolysis bullosa simplex 5B, with muscular dystrophy. Last evaluated: 2025-03-18. Review status: criteria provided, single submitter. Criteria: Invitae Variant Classification Sherloc (09022015). Collection method: clinical testing. Allele origin: germline.
Comment: This sequence change replaces leucine, which is neutral and non-polar, with phenylalanine, which is neutral and non-polar, at codon 3567 of the PLEC protein (p.Leu3567Phe). This variant is present in population databases (no rsID available, gnomAD 0.01%). This variant has not been reported in the literature in individuals affected with PLEC-related conditions. ClinVar contains an entry for this variant (Variation ID: 3307441). Invitae Evidence Modeling of protein sequence and biophysical properties (such as structural, functional, and spatial information, amino acid conservation, physicochemical variation, residue mobility, and thermodynamic stability) indicates that this missense variant is not expected to disrupt PLEC protein function with a negative predictive value of 80%. In summary, the available evidence is currently insufficient to determine the role of this variant in disease. Therefore, it has been classified as a Variant of Uncertain Significance.

Ambry Genetics
Classification: Uncertain significance for Inborn genetic diseases. Last evaluated: 2024-03-25. Review status: criteria provided, single submitter. Criteria: Ambry Variant Classification Scheme 2023. Collection method: clinical testing. Allele origin: germline.

NM_201384.3(PLEC):c.10618C>T (p.Leu3540Phe)

Gene: PLEC (plectin; minus strand). Cytogenetic location: 8q24.3.
Variant type: single nucleotide variant.
Coding change: c.10618C>T on transcript NM_201384.3 (MANE Select); coding-DNA position 10618, C replaced by T.
Protein change: p.Leu3540Phe; replaces leucine 3540 with phenylalanine.
Molecular consequence: missense variant.
Genome position (GRCh38, 1-based): chr8:143,919,203, G>A on the plus strand (C>T on the coding strand, the complement: PLEC is on the minus strand). VCF-style: chr8-143919203-G-A. GRCh37 (hg19) VCF-style: chr8-144993371-G-A.
Other names: c.10552C>T, p.Leu3518Phe (NM_201379.3); c.11029C>T, p.Leu3677Phe (NM_201380.4); c.10522C>T, p.Leu3508Phe (NM_201381.3); c.10618C>T, p.Leu3540Phe (NM_201382.4); c.10630C>T, p.Leu3544Phe (NM_201383.3); c.10699C>T, p.Leu3567Phe (NM_000445.5); c.7318C>T, p.Leu2440Phe (NM_001410941.1); c.10576C>T, p.Leu3526Phe (NM_201378.4); short protein forms L3508F, L3540F, L3526F, L3544F, L2440F, L3518F, L3567F, L3677F.
Identifiers: ClinVar variation 3307441 (VCV003307441.2).
Genomic context (GRCh38, chr8:143,919,203, plus strand): 5'-CAGTGTACACCTGCGTGGTCTCCACCACCTCAGCCTTCTCCGCCCCTTTCAGTGGCAGAA[G>A]GCGCAAGCCCGTCTCGGGGTCCTCCACGCACCGCTCCAGCAGCTGCCTGTACGTGAGGTT-3'
Protein context (NP_958786.1, residues 3530-3550): CVEDPETGLR[Leu3540Phe]LPLKGAEKAE